The following is an entry in ClinVar:

NM_000493.4(COL10A1):c.52G>C (p.Gly18Arg)

Genes: COL10A1 (collagen type X alpha 1 chain; minus strand), NT5DC1 (5'-nucleotidase domain containing 1; plus strand). Cytogenetic location: 6q22.1.
Variant type: single nucleotide variant.
Coding change: c.52G>C on transcript NM_000493.4 (MANE Select); coding-DNA position 52, G replaced by C.
Protein change: p.Gly18Arg; replaces glycine 18 with arginine.
Molecular consequence: missense variant. On other transcripts: intron variant (1).
Genome position (GRCh38, 1-based): chr6:116,125,441, C>G on the plus strand (G>C on the coding strand, the complement: COL10A1 is on the minus strand). VCF-style: chr6-116125441-C-G. GRCh37 (hg19) VCF-style: chr6-116446604-C-G.
Other names: c.52G>C, p.Gly18Arg (NM_001424106.1, NM_001424107.1); c.529+7496C>G (NM_152729.3); short protein forms G18R.
Identifiers: ClinVar variation 2807922 (VCV002807922.3), dbSNP rs111033550, ClinGen allele CA365398549.
Genomic context (GRCh38, chr6:116,125,441, plus strand): 5'-TGTTGGGTAGTGGGCCTTTTATGCCTGTGGGCATTTGGTATCGTTCAGCGTAAAACACTC[C>G]ATGAACCAAGTTCAAGGATACTAGCAGCAAAAAGGGTATTTGTGGCAGCATATTCTCAGA-3'
Protein context (NP_000484.2, residues 8-28): LLLVSLNLVH[Gly18Arg]VFYAERYQMP

ClinVar aggregate classification (germline): Likely pathogenic (1 of 4 stars; one submission).

Submission:

Labcorp Genetics (formerly Invitae), Labcorp
Classification: Likely pathogenic. Last evaluated: 2023-04-29. Review status: criteria provided, single submitter. Criteria: Invitae Variant Classification Sherloc (09022015). Collection method: clinical testing. Allele origin: germline.
Comment: In summary, the currently available evidence indicates that the variant is pathogenic, but additional data are needed to prove that conclusively. Therefore, this variant has been classified as Likely Pathogenic. This variant disrupts the p.Gly18 amino acid residue in COL10A1. Other variant(s) that disrupt this residue have been determined to be pathogenic (PMID: 9067753; Invitae). This suggests that this residue is clinically significant, and that variants that disrupt this residue are likely to be disease-causing. Advanced modeling of protein sequence and biophysical properties (such as structural, functional, and spatial information, amino acid conservation, physicochemical variation, residue mobility, and thermodynamic stability) has been performed at Invitae for this missense variant, however the output from this modeling did not meet the statistical confidence thresholds required to predict the impact of this variant on COL10A1 protein function. This missense change has been observed in individuals with clinical features of Schmid type Metaphyseal chondrodysplasia (PMID: 9067753, 15024737; Invitae). This variant is not present in population databases (gnomAD no frequency). This sequence change replaces glycine, which is neutral and non-polar, with arginine, which is basic and polar, at codon 18 of the COL10A1 protein (p.Gly18Arg).

Literature cited by the submitters: PubMed 9067753; PubMed 15024737.